The following is an entry in ClinVar:

ClinVar aggregate classification (germline): Uncertain significance (1 of 4 stars; one submission).

Conditions:
POLD1-related polyposis and colorectal cancer syndrome (CRCS10). Also called: Colorectal cancer, susceptibility to, 10; Colorectal cancer 10; COLORECTAL CANCER, SUSCEPTIBILITY TO, ON CHROMOSOME 19q. Identifiers: Orphanet 220460, MedGen C2675481, MONDO:0012953, OMIM 612591.

Allele frequency attached by ClinVar (database versions not stated): gnomAD exomes below 0.00001.
gnomAD v4.1: 1 of 1,517,558 alleles (0.000066%); highest among the groups gnomAD compares: Non-Finnish European, 0.000089%; no homozygotes.

Submission:

Labcorp Genetics (formerly Invitae), Labcorp
Classification: Uncertain significance for POLD1-related polyposis and colorectal cancer syndrome. Last evaluated: 2024-11-06. Review status: criteria provided, single submitter. Criteria: Invitae Variant Classification Sherloc (09022015). Collection method: clinical testing. Allele origin: germline.
Comment: This sequence change falls in intron 19 of the POLD1 gene. It does not directly change the encoded amino acid sequence of the POLD1 protein. This variant is not present in population databases (gnomAD no frequency). This variant has not been reported in the literature in individuals affected with POLD1-related conditions. ClinVar contains an entry for this variant (Variation ID: 1380475). Algorithms developed to predict the effect of sequence changes on RNA splicing suggest that this variant may disrupt the consensus splice site. In summary, the available evidence is currently insufficient to determine the role of this variant in disease. Therefore, it has been classified as a Variant of Uncertain Significance.

NM_002691.4(POLD1):c.2389-13G>A

Gene: POLD1 (DNA polymerase delta 1, catalytic subunit; plus strand). Cytogenetic location: 19q13.33.
Variant type: single nucleotide variant.
Coding change: c.2389-13G>A on transcript NM_002691.4 (MANE Select); 13 bases into the intron before coding-DNA position 2389, G replaced by A.
Molecular consequence: intron variant.
Genome position (GRCh38, 1-based): chr19:50,414,802, G>A. VCF-style: chr19-50414802-G-A. GRCh37 (hg19) VCF-style: chr19-50918059-G-A.
Other names: c.2389-13G>A (NM_001256849.1); c.2467-13G>A (NM_001308632.1).
Identifiers: ClinVar variation 1380475 (VCV001380475.6), dbSNP rs2039212946, ClinGen allele CA2340889467.
Genomic context (GRCh38, chr19:50,414,802, plus strand): 5'-GTTTCTGGGGGGCGTCTCCAGATTGGGGCTTGGCCTCCTCAGGCTCAGGGTCTTGGCCAT[G>A]GCTCCCTCCCAGGTCTACTTCCCATACCTGCTTATCAGCAAGAAGCGCTACGCGGGCCTG-3'